The following is an entry in ClinVar:

ClinVar aggregate classification (germline): Conflicting classifications of pathogenicity. Review status: criteria provided, conflicting classifications (1 of 4 stars). 4 submissions from 4 submitters: Uncertain significance (1); Likely benign (2). 1 of the submissions does not count toward it. Last evaluated 2025-02-03.

Conditions:
LRP5-related disorder. Also called: LRP5-related condition.

Allele frequency attached by ClinVar (database versions not stated): gnomAD exomes 0.00004 and 0.00011; gnomAD 0.00033 and 0.00036; ExAC 0.00007; TOPMed 0.00028.
gnomAD v4.1: 108 of 1,613,256 alleles (0.0067%); highest among the groups gnomAD compares: Admixed American, 0.078%; 3 homozygotes.

Submissions (4):

Labcorp Genetics (formerly Invitae), Labcorp
Classification: Likely benign. Last evaluated: 2025-02-03. Review status: criteria provided, single submitter. Criteria: Invitae Variant Classification Sherloc (09022015). Collection method: clinical testing. Allele origin: germline.

Blueprint Genetics
Classification: Likely benign. Last evaluated: 2023-06-16. Review status: criteria provided, single submitter. Criteria: ACMG Guidelines, 2015. Collection method: clinical testing. Allele origin: germline.

Eurofins Ntd Llc (ga)
Classification: Uncertain significance. Last evaluated: 2017-06-15. Review status: criteria provided, single submitter. Criteria: EGL Classification Definitions 2015. Collection method: clinical testing. Allele origin: germline. Observed: 1 variant allele, 1 heterozygote.

PreventionGenetics, part of Exact Sciences
Classification: Likely benign for LRP5-related condition. Last evaluated: 2019-02-21. Review status: no assertion criteria provided. Collection method: clinical testing. Allele origin: germline. Not counted in ClinVar's aggregate classification.
Comment: This variant is classified as likely benign based on ACMG/AMP sequence variant interpretation guidelines (Richards et al. 2015 PMID: 25741868, with internal and published modifications).

NM_002335.4(LRP5):c.144C>T (p.Ala48=)

Gene: LRP5 (LDL receptor related protein 5; plus strand). Cytogenetic location: 11q13.2.
Variant type: single nucleotide variant.
Coding change: c.144C>T on transcript NM_002335.4 (MANE Select); coding-DNA position 144, C replaced by T.
Protein change: p.Ala48=; no amino-acid change (alanine 48 retained).
Molecular consequence: synonymous variant. On other transcripts: 5 prime UTR variant (1).
Genome position (GRCh38, 1-based): chr11:68,347,899, C>T. VCF-style: chr11-68347899-C-T. GRCh37 (hg19) VCF-style: chr11-68115367-C-T.
Other names: c.-1622C>T (NM_001291902.2).
Identifiers: ClinVar variation 502466 (VCV000502466.19), dbSNP rs776920568, ClinGen allele CA6148919.